The following is an entry in ClinVar:

ClinVar aggregate classification (germline): Benign. Review status: criteria provided, multiple submitters, no conflicts (2 of 4 stars). 4 submissions from 3 submitters: Benign (4). Last evaluated 2019-12-31.

Conditions:
Sacral defect with anterior meningocele. Identifiers: MedGen C1838568, OMIM 600145.
Neural tube defect (NTD). Also called: Neural tube defects. Identifiers: Orphanet 3388, Orphanet 823, MedGen C0027794, MONDO:0018075, HP:0045005.

Allele frequency attached by ClinVar (database versions not stated): ExAC 0.00461; 1000 Genomes Project 0.01418; gnomAD 0.01571 and 0.01695; 1000 Genomes Project 30x 0.01608; ESP Exome Variant Server 0.01676; TOPMed 0.01736.
gnomAD v4.1: 4,656 of 1,614,124 alleles (0.29%); highest among the groups gnomAD compares: African/African-American, 5.5%; 112 homozygotes.

Submissions (4):

Labcorp Genetics (formerly Invitae), Labcorp
Classification: Benign. Last evaluated: 2019-12-31. Review status: criteria provided, single submitter. Criteria: Invitae Variant Classification Sherloc (09022015). Collection method: clinical testing. Allele origin: germline.

Illumina Laboratory Services, Illumina
Classification: Benign for Sacral defect with anterior meningocele. Last evaluated: 2018-01-12. Review status: criteria provided, single submitter. Criteria: ICSL Variant Classification Criteria 13 December 2019. Collection method: clinical testing. Allele origin: germline.
Comment: This variant was observed in the ICSL laboratory as part of a predisposition screen in an ostensibly healthy population. It had not been previously curated by ICSL or reported in the Human Gene Mutation Database (HGMD: prior to June 1st, 2018), and was therefore a candidate for classification through an automated scoring system. Utilizing variant allele frequency, disease prevalence and penetrance estimates, and inheritance mode, an automated score was calculated to assess if this variant is too frequent to cause the disease. Based on the score and internal cut-off values, a variant classified as benign is not then subjected to further curation. The score for this variant resulted in a classification of benign for this disease.

Illumina Laboratory Services, Illumina
Classification: Benign for Neural tube defects, susceptibility to. Last evaluated: 2018-01-12. Review status: criteria provided, single submitter. Criteria: ICSL Variant Classification Criteria 13 December 2019. Collection method: clinical testing. Allele origin: germline.
Comment: the same text as in the submission from Illumina Laboratory Services, Illumina above.

Breakthrough Genomics
Classification: Benign. Review status: criteria provided, single submitter. Criteria: ACMG Guidelines, 2015. Collection method: not provided. Allele origin: germline. Inheritance: Autosomal dominant inheritance. Affected: yes.

NM_138959.3(VANGL1):c.1040A>C (p.Glu347Ala)

Gene: VANGL1 (VANGL planar cell polarity protein 1; plus strand). Cytogenetic location: 1p13.1.
Variant type: single nucleotide variant.
Coding change: c.1040A>C on transcript NM_138959.3 (MANE Select); coding-DNA position 1040, A replaced by C.
Protein change: p.Glu347Ala; replaces glutamic acid 347 with alanine.
Molecular consequence: missense variant.
Genome position (GRCh38, 1-based): chr1:115,684,037, A>C. VCF-style: chr1-115684037-A-C. GRCh37 (hg19) VCF-style: chr1-116226658-A-C.
Other names: c.1034A>C, p.Glu345Ala (NM_001172411.2); c.1040A>C, p.Glu347Ala (NM_001172412.2); short protein forms E347A, E345A.
Identifiers: ClinVar variation 292011 (VCV000292011.10), dbSNP rs34059106, ClinGen allele CA1023416.
Genomic context (GRCh38, chr1:115,684,037, plus strand): 5'-CCATGATTGCTGCAGCTGCTCGGCGCAGGGACTCAAGCCACAACGAGTTGTATTATGAAG[A>C]GGCCGAACATGAACGGCGAGTAAAGAAGCGGAAAGCAAGGTATACTGCCCTCCTGATGCC-3'
Protein context (NP_620409.1, residues 337-357): DSSHNELYYE[Glu347Ala]AEHERRVKKR